The following is an entry in ClinVar:

ClinVar aggregate classification (germline): Uncertain significance (1 of 4 stars; one submission).

gnomAD v4.1: 1 of 1,612,496 alleles (0.000062%); highest among the groups gnomAD compares: South Asian, 0.0011%; no homozygotes.

Submission:

Labcorp Genetics (formerly Invitae), Labcorp
Classification: Uncertain significance. Last evaluated: 2022-07-12. Review status: criteria provided, single submitter. Criteria: Invitae Variant Classification Sherloc (09022015). Collection method: clinical testing. Allele origin: germline.
Comment: In summary, the available evidence is currently insufficient to determine the role of this variant in disease. Therefore, it has been classified as a Variant of Uncertain Significance. Algorithms developed to predict the effect of missense changes on protein structure and function (SIFT, PolyPhen-2, Align-GVGD) all suggest that this variant is likely to be tolerated. This variant has not been reported in the literature in individuals affected with PNPLA8-related conditions. This variant is not present in population databases (gnomAD no frequency). This sequence change replaces glutamine, which is neutral and polar, with histidine, which is basic and polar, at codon 731 of the PNPLA8 protein (p.Gln731His).

NM_001256007.3(PNPLA8):c.2193G>T (p.Gln731His)

Gene: PNPLA8 (patatin like domain 8, phospholipase A2; minus strand). Cytogenetic location: 7q31.1.
Variant type: single nucleotide variant.
Coding change: c.2193G>T on transcript NM_001256007.3 (MANE Select); coding-DNA position 2193, G replaced by T.
Protein change: p.Gln731His; replaces glutamine 731 with histidine.
Molecular consequence: missense variant.
Genome position (GRCh38, 1-based): chr7:108,472,557, C>A on the plus strand (G>T on the coding strand, the complement: PNPLA8 is on the minus strand). VCF-style: chr7-108472557-C-A. GRCh37 (hg19) VCF-style: chr7-108113001-C-A.
Other names: c.2193G>T, p.Gln731His (NM_001256008.3, NM_015723.5); c.2007G>T, p.Gln669His (NM_001256009.3); c.1893G>T, p.Gln631His (NM_001256010.3, NM_001256011.3); short protein forms Q631H, Q731H, Q669H.
Identifiers: ClinVar variation 1947543 (VCV001947543.5), dbSNP rs2552108934, ClinGen allele CA368890676.